The following is an entry in ClinVar:

ClinVar aggregate classification (germline): Uncertain significance. Review status: criteria provided, multiple submitters, no conflicts (2 of 4 stars). 2 submissions from 2 submitters: Uncertain significance (2). Last evaluated 2026-07-07.

Conditions:
Hereditary nonpolyposis colorectal neoplasms. Identifiers: MedGen C0009405, MeSH D003123.
Hereditary cancer-predisposing syndrome. Also called: Neoplastic Syndromes, Hereditary; Hereditary Cancer Syndrome; Tumor predisposition; Hereditary neoplastic syndrome. Identifiers: Orphanet 140162, MedGen C0027672, MeSH D009386, MONDO:0015356.

Allele frequency attached by ClinVar (database versions not stated): gnomAD 0.00001; gnomAD exomes below 0.00001.
gnomAD v4.1: 2 of 1,614,084 alleles (0.00012%); highest among the groups gnomAD compares: Non-Finnish European, 0.00017%; no homozygotes.

Submissions (2):

Ambry Genetics
Classification: Uncertain significance for Hereditary cancer-predisposing syndrome. Last evaluated: 2026-07-07. Review status: criteria provided, single submitter. Criteria: Ambry Variant Classification Scheme 2023. Collection method: clinical testing. Allele origin: germline.
Comment: The p.K537T variant (also known as c.1610A>C), located in coding exon 4 of the MSH6 gene, results from an A to C substitution at nucleotide position 1610. The lysine at codon 537 is replaced by threonine, an amino acid with similar properties. This amino acid position is conserved. In addition, the in silico prediction for this alteration is inconclusive. Based on the available evidence, the clinical significance of this variant remains unclear.

Labcorp Genetics (formerly Invitae), Labcorp
Classification: Uncertain significance for Hereditary nonpolyposis colorectal neoplasms. Last evaluated: 2019-08-25. Review status: criteria provided, single submitter. Criteria: Invitae Variant Classification Sherloc (09022015). Collection method: clinical testing. Allele origin: germline.
Comment: This variant is not present in population databases (ExAC no frequency). This sequence change replaces lysine with threonine at codon 537 of the MSH6 protein (p.Lys537Thr). The lysine residue is moderately conserved and there is a moderate physicochemical difference between lysine and threonine. This variant has not been reported in the literature in individuals with MSH6-related conditions. In summary, the available evidence is currently insufficient to determine the role of this variant in disease. Therefore, it has been classified as a Variant of Uncertain Significance. Algorithms developed to predict the effect of missense changes on protein structure and function are either unavailable or do not agree on the potential impact of this missense change (SIFT: "Tolerated"; PolyPhen-2: "Possibly Damaging"; Align-GVGD: "Class C0").

NM_000179.3(MSH6):c.1610A>C (p.Lys537Thr)

Gene: MSH6 (mutS homolog 6; plus strand). Cytogenetic location: 2p16.3.
Variant type: single nucleotide variant.
Coding change: c.1610A>C on transcript NM_000179.3 (MANE Select); coding-DNA position 1610, A replaced by C.
Protein change: p.Lys537Thr; replaces lysine 537 with threonine.
Molecular consequence: missense variant.
Genome position (GRCh38, 1-based): chr2:47,799,593, A>C. VCF-style: chr2-47799593-A-C. GRCh37 (hg19) VCF-style: chr2-48026732-A-C.
Other names: c.1220A>C, p.Lys407Thr (NM_001281492.2); c.704A>C, p.Lys235Thr (NM_001281493.2, NM_001281494.2); short protein forms K537T, K235T, K407T.
Identifiers: ClinVar variation 960050 (VCV000960050.11), dbSNP rs1390820576, ClinGen allele CA346747012.